The following is an entry in ClinVar:

NM_024426.6(WT1):c.429C>G (p.Ser143=)

Genes: WT1 (WT1 transcription factor; minus strand), LOC107982234 (WT1/WT1-AS bi-directional promoter region; plus strand). Cytogenetic location: 11p13.
Variant type: single nucleotide variant.
Coding change: c.429C>G on transcript NM_024426.6 (MANE Select); coding-DNA position 429, C replaced by G.
Protein change: p.Ser143=; no amino-acid change (serine 143 retained).
Molecular consequence: synonymous variant. On other transcripts: non-coding transcript variant (1).
Genome position (GRCh38, 1-based): chr11:32,434,932, G>C on the plus strand (C>G on the coding strand, the complement: WT1 is on the minus strand). VCF-style: chr11-32434932-G-C. GRCh37 (hg19) VCF-style: chr11-32456478-G-C.
Other names: c.429C>G, p.Ser143= (NM_000378.6, NM_024424.5).
Identifiers: ClinVar variation 776098 (VCV000776098.12), dbSNP rs531076591, ClinGen allele CA064936.

ClinVar aggregate classification (germline): Likely benign. Review status: criteria provided, multiple submitters, no conflicts (2 of 4 stars). 3 submissions from 3 submitters: Likely benign (3). Last evaluated 2024-08-21.

Conditions:
Inborn genetic diseases. Identifiers: MedGen C0950123, MeSH D030342.
Wilms tumor 1 (WT1). Also called: Wilms tumor, somatic. Identifiers: Orphanet 654, MedGen CN033288, MONDO:0008679, OMIM 194070.
Frasier syndrome. Identifiers: Orphanet 347, MedGen C0950122, MeSH D052159, MONDO:0007635, OMIM 136680.
11p partial monosomy syndrome (WAGR). Also called: WAGR Spectrum Disorder; WAGR syndrome; WAGR Complex; CHROMOSOME 11p13 DELETION SYNDROME. Identifiers: Orphanet 893, MedGen C0206115, MONDO:0008681, OMIM 194072.
Drash syndrome (DDS). Also called: WILMS TUMOR AND PSEUDO- OR TRUE HERMAPHRODITISM; NEPHROPATHY, WILMS TUMOR, AND GENITAL ANOMALIES. Identifiers: Orphanet 220, MedGen C0950121, MONDO:0008682, OMIM 194080.

Allele frequency attached by ClinVar (database versions not stated): ExAC 0.00001; gnomAD 0.00001; gnomAD exomes 0.00001; TOPMed 0.00001; 1000 Genomes Project 0.00020; 1000 Genomes Project 30x 0.00031.
gnomAD v4.1: 5 of 1,597,140 alleles (0.00031%); highest among the groups gnomAD compares: African/African-American, 0.004%; no homozygotes.

Submissions (3):

Ambry Genetics
Classification: Likely benign for Inborn genetic diseases. Last evaluated: 2024-08-21. Review status: criteria provided, single submitter. Criteria: Ambry Variant Classification Scheme 2023. Collection method: clinical testing. Allele origin: germline.

Labcorp Genetics (formerly Invitae), Labcorp
Classification: Likely benign for Wilms tumor 1; Drash syndrome; 11p partial monosomy syndrome; Frasier syndrome. Last evaluated: 2024-05-28. Review status: criteria provided, single submitter. Criteria: Invitae Variant Classification Sherloc (09022015). Collection method: clinical testing. Allele origin: germline.

All of Us Research Program, National Institutes of Health
Classification: Likely benign for Wilms tumor 1. Last evaluated: 2023-08-15. Review status: criteria provided, single submitter. Criteria: ACMG Guidelines, 2015. Collection method: clinical testing. Allele origin: germline. Inheritance: Autosomal dominant inheritance. Observed: 1 variant allele, 1 heterozygote.
Comment: This study involves interpretation of variants in research participants for the purpose of population health screening. Participant phenotype was not available at the time of variant classification. Additional details can be found in publication PMID: 35346344, PMCID: PMC8962531